The following is an entry in ClinVar:

NM_002471.4(MYH6):c.2329G>A (p.Glu777Lys)

Gene: MYH6 (myosin heavy chain 6; minus strand). Cytogenetic location: 14q11.2.
Variant type: single nucleotide variant.
Coding change: c.2329G>A on transcript NM_002471.4 (MANE Select); coding-DNA position 2329, G replaced by A.
Protein change: p.Glu777Lys; replaces glutamic acid 777 with lysine.
Molecular consequence: missense variant.
Genome position (GRCh38, 1-based): chr14:23,396,384, C>T on the plus strand (G>A on the coding strand, the complement: MYH6 is on the minus strand). VCF-style: chr14-23396384-C-T. GRCh37 (hg19) VCF-style: chr14-23865593-C-T.
Other names: short protein forms E777K.
Identifiers: ClinVar variation 2644099 (VCV002644099.24), dbSNP rs759945266, ClinGen allele CA7115499.
Genomic context (GRCh38, chr14:23,396,384, plus strand): 5'-GGCCCCGGGCTTGGGCCTGCATGCGCGTGATGATGCGGCTCAGCCTCTCATCCCGCATCT[C>T]CTCCAGCAGCCCAAGCAGCCCTGCCTTGAAGAACACCTGCAGGCAAGGGGTAGATGCAAC-3'
Protein context (NP_002462.2, residues 767-787): FKAGLLGLLE[Glu777Lys]MRDERLSRII

ClinVar aggregate classification (germline): Uncertain significance (1 of 4 stars; one submission).

Allele frequency attached by ClinVar (database versions not stated): gnomAD exomes below 0.00001; ExAC 0.00002.
gnomAD v4.1: 3 of 1,614,052 alleles (0.00019%); highest among the groups gnomAD compares: Admixed American, 0.0017%; no homozygotes.

Submission:

CeGaT Center for Human Genetics Tuebingen
Classification: Uncertain significance. Last evaluated: 2023-06-01. Review status: criteria provided, single submitter. Criteria: CeGaT Center For Human Genetics Tuebingen Variant Classification Criteria Version 2. Collection method: clinical testing. Allele origin: germline. Affected: yes. Observed: 1 variant allele.
Comment: MYH6: PP3